The following is an entry in ClinVar:

ClinVar aggregate classification (germline): Uncertain significance (1 of 4 stars; one submission).

Conditions:
Intellectual disability, CASK-related, X-linked. Identifiers: MedGen CN043158.

Submission:

Labcorp Genetics (formerly Invitae), Labcorp
Classification: Uncertain significance for Intellectual disability, CASK-related, X-linked. Last evaluated: 2024-01-12. Review status: criteria provided, single submitter. Criteria: Invitae Variant Classification Sherloc (09022015). Collection method: clinical testing. Allele origin: germline.
Comment: This sequence change replaces glutamic acid, which is acidic and polar, with alanine, which is neutral and non-polar, at codon 414 of the CASK protein (p.Glu414Ala). This variant is not present in population databases (gnomAD no frequency). This variant has not been reported in the literature in individuals affected with CASK-related conditions. Advanced modeling of protein sequence and biophysical properties (such as structural, functional, and spatial information, amino acid conservation, physicochemical variation, residue mobility, and thermodynamic stability) has been performed at Invitae for this missense variant, however the output from this modeling did not meet the statistical confidence thresholds required to predict the impact of this variant on CASK protein function. In summary, the available evidence is currently insufficient to determine the role of this variant in disease. Therefore, it has been classified as a Variant of Uncertain Significance.

NM_001367721.1(CASK):c.1241A>C (p.Glu414Ala)

Gene: CASK (calcium/calmodulin dependent serine protein kinase; minus strand). Cytogenetic location: Xp11.4.
Variant type: single nucleotide variant.
Coding change: c.1241A>C on transcript NM_001367721.1 (MANE Select); coding-DNA position 1241, A replaced by C.
Protein change: p.Glu414Ala; replaces glutamic acid 414 with alanine.
Molecular consequence: missense variant.
Genome position (GRCh38, 1-based): chrX:41,586,980, T>G on the plus strand (A>C on the coding strand, the complement: CASK is on the minus strand). VCF-style: chrX-41586980-T-G. GRCh37 (hg19) VCF-style: chrX-41446233-T-G.
Other names: c.1241A>C, p.Glu414Ala (NM_001126054.3, NM_003688.4); c.1223A>C, p.Glu408Ala (NM_001126055.3, NM_001410745.1); short protein forms E408A, E414A.
Identifiers: ClinVar variation 2806683 (VCV002806683.3), dbSNP rs2519844998, ClinGen allele CA412999303.